The following is an entry in ClinVar:

NM_153676.4(USH1C):c.1805C>G (p.Pro602Arg)

Gene: USH1C (USH1 protein network component harmonin; minus strand). Cytogenetic location: 11p15.1.
Variant type: single nucleotide variant.
Coding change: c.1805C>G on transcript NM_153676.4 (MANE Select); coding-DNA position 1805, C replaced by G.
Protein change: p.Pro602Arg; replaces proline 602 with arginine.
Molecular consequence: missense variant. On other transcripts: intron variant (11).
Genome position (GRCh38, 1-based): chr11:17,509,564, G>C on the plus strand (C>G on the coding strand, the complement: USH1C is on the minus strand). VCF-style: chr11-17509564-G-C. GRCh37 (hg19) VCF-style: chr11-17531111-G-C.
Other names: c.1228-7584C>G (NM_001297764.2); c.1211-11293C>G (NM_001440687.1); c.1413+2338C>G (NM_001440681.1); c.1285-7584C>G (NM_001440685.1, NM_005709.4, NM_001440682.1); c.1285-4867C>G (NM_001440683.1); c.1437+2338C>G (NM_001440680.1); c.1261-7584C>G (NM_001440686.1); c.1318-7584C>G (NM_001440684.1); and 1 more; short protein forms P602R.
Identifiers: ClinVar variation 4281792 (VCV004281792.1).

ClinVar aggregate classification (germline): Uncertain significance (1 of 4 stars; one submission).

Submission:

GeneDx
Classification: Uncertain significance. Last evaluated: 2025-04-15. Review status: criteria provided, single submitter. Criteria: GeneDx Variant Classification Process June 2021. Collection method: clinical testing. Allele origin: germline. Affected: yes.
Comment: Not observed at significant frequency in large population cohorts (gnomAD); Has not been previously published as pathogenic or benign to our knowledge; Reported using an alternate transcript of the gene